The following is an entry in ClinVar:

NM_025099.6(CTC1):c.3524G>A (p.Arg1175Gln)

Gene: CTC1 (CST telomere replication complex component 1; minus strand). Cytogenetic location: 17p13.1.
Variant type: single nucleotide variant.
Coding change: c.3524G>A on transcript NM_025099.6 (MANE Select); coding-DNA position 3524, G replaced by A.
Protein change: p.Arg1175Gln; replaces arginine 1175 with glutamine.
Molecular consequence: missense variant. On other transcripts: non-coding transcript variant (1).
Genome position (GRCh38, 1-based): chr17:8,228,310, C>T on the plus strand (G>A on the coding strand, the complement: CTC1 is on the minus strand). VCF-style: chr17-8228310-C-T. GRCh37 (hg19) VCF-style: chr17-8131628-C-T.
Other names: short protein forms R1175Q.
Identifiers: ClinVar variation 326064 (VCV000326064.14), dbSNP rs201788219, ClinGen allele CA8371721.

ClinVar aggregate classification (germline): Uncertain significance. Review status: criteria provided, multiple submitters, no conflicts (2 of 4 stars). 7 submissions from 7 submitters: Uncertain significance (7). Last evaluated 2025-11-13.

Conditions:
Dyskeratosis congenita. Identifiers: Orphanet 1775, MedGen C0265965, MONDO:0015780.
Cerebroretinal microangiopathy with calcifications and cysts 1 (CRMCC1). Identifiers: Orphanet 313838, MedGen C4552029, MONDO:0024564, OMIM 612199.
Inborn genetic diseases. Identifiers: MedGen C0950123, MeSH D030342.

Allele frequency attached by ClinVar (database versions not stated): gnomAD 0.00005 and 0.00006; gnomAD exomes 0.00008 and 0.00013; TOPMed 0.00008; ExAC 0.00009; 1000 Genomes Project 0.00020; 1000 Genomes Project 30x 0.00062.
gnomAD v4.1: 199 of 1,613,966 alleles (0.012%); highest among the groups gnomAD compares: Middle Eastern, 0.033%; no homozygotes.

Submissions (7):

Ambry Genetics
Classification: Uncertain significance for Inborn genetic diseases. Last evaluated: 2025-11-13. Review status: criteria provided, single submitter. Criteria: Ambry Variant Classification Scheme 2023. Collection method: clinical testing. Allele origin: germline.

Blueprint Genetics
Classification: Uncertain significance. Last evaluated: 2024-08-20. Review status: criteria provided, single submitter. Criteria: ACMG Guidelines, 2015. Collection method: clinical testing. Allele origin: germline.

Fulgent Genetics
Classification: Uncertain significance for Cerebroretinal microangiopathy with calcifications and cysts 1. Last evaluated: 2024-02-17. Review status: criteria provided, single submitter. Criteria: ACMG Guidelines, 2015. Collection method: clinical testing. Allele origin: germline.

Labcorp Genetics (formerly Invitae), Labcorp
Classification: Uncertain significance for Dyskeratosis congenita. Last evaluated: 2022-07-26. Review status: criteria provided, single submitter. Criteria: Invitae Variant Classification Sherloc (09022015). Collection method: clinical testing. Allele origin: germline.
Comment: This sequence change replaces arginine, which is basic and polar, with glutamine, which is neutral and polar, at codon 1175 of the CTC1 protein (p.Arg1175Gln). This variant is present in population databases (rs201788219, gnomAD 0.02%). This variant has not been reported in the literature in individuals affected with CTC1-related conditions. ClinVar contains an entry for this variant (Variation ID: 326064). Algorithms developed to predict the effect of missense changes on protein structure and function output the following: SIFT: "Deleterious"; PolyPhen-2: "Benign"; Align-GVGD: "Class C0". The glutamine amino acid residue is found in multiple mammalian species, which suggests that this missense change does not adversely affect protein function. In summary, the available evidence is currently insufficient to determine the role of this variant in disease. Therefore, it has been classified as a Variant of Uncertain Significance.

Sema4
Classification: Uncertain significance for Dyskeratosis congenita. Last evaluated: 2022-01-02. Review status: criteria provided, single submitter. Criteria: Sema4 Curation Guidelines. Collection method: curation. Allele origin: germline.
Comment: The CTC1 c.3524G>A (p.R1175Q) variant has not been reported in the literature to our knowledge. It was observed in 20/113256 chromosomes of the European (non-Finnish) subpopulation, with no homozygotes, in the large and broad cohorts of the Genome Aggregation Database (PMID: 32461654) and has been reported in ClinVar (Variation ID 326064). Functional studies have not been performed, and in silico predictions of the variant's effect on protein function are inconclusive. The evidence is insufficient to meet ACMG/AMP criteria for classifying the variant as benign or pathogenic. Thus, the clinical significance of this variant is currently uncertain.

Genome-Nilou Lab
Classification: Uncertain significance for Cerebroretinal microangiopathy with calcifications and cysts 1. Last evaluated: 2021-07-15. Review status: criteria provided, single submitter. Criteria: ACMG Guidelines, 2015. Collection method: clinical testing. Allele origin: germline. Affected: no.

Illumina Laboratory Services, Illumina
Classification: Uncertain significance for Dyskeratosis congenita. Last evaluated: 2018-01-13. Review status: criteria provided, single submitter. Criteria: ICSL Variant Classification Criteria 13 December 2019. Collection method: clinical testing. Allele origin: germline.